The following is an entry in ClinVar:

NM_000878.5(IL2RB):c.704-3C>A

Gene: IL2RB (interleukin 2 receptor subunit beta; minus strand). Cytogenetic location: 22q12.3.
Variant type: single nucleotide variant.
Coding change: c.704-3C>A on transcript NM_000878.5 (MANE Select); 3 bases into the intron before coding-DNA position 704, C replaced by A.
Molecular consequence: intron variant.
Genome position (GRCh38, 1-based): chr22:37,135,445, G>T on the plus strand (C>A on the coding strand, the complement: IL2RB is on the minus strand). VCF-style: chr22-37135445-G-T. GRCh37 (hg19) VCF-style: chr22-37531485-G-T.
Other names: c.704-3C>A (NM_001346222.1, NM_001346223.2).
Identifiers: ClinVar variation 1510397 (VCV001510397.6), dbSNP rs757811589, ClinGen allele CA10216537.

ClinVar aggregate classification (germline): Uncertain significance (1 of 4 stars; one submission).

Allele frequency attached by ClinVar (database versions not stated): gnomAD exomes below 0.00001 and 0.00002; ExAC 0.00002; TOPMed 0.00002.
gnomAD v4.1: 3 of 1,594,432 alleles (0.00019%); highest among the groups gnomAD compares: East Asian, 0.0067%; no homozygotes.

Submission:

Labcorp Genetics (formerly Invitae), Labcorp
Classification: Uncertain significance. Last evaluated: 2022-09-27. Review status: criteria provided, single submitter. Criteria: Invitae Variant Classification Sherloc (09022015). Collection method: clinical testing. Allele origin: germline.
Comment: This variant is present in population databases (rs757811589, gnomAD 0.02%). This sequence change falls in intron 7 of the IL2RB gene. It does not directly change the encoded amino acid sequence of the IL2RB protein. It affects a nucleotide within the consensus splice site. This variant has not been reported in the literature in individuals affected with IL2RB-related conditions. ClinVar contains an entry for this variant (Variation ID: 1510397). Variants that disrupt the consensus splice site are a relatively common cause of aberrant splicing (PMID: 17576681, 9536098). Algorithms developed to predict the effect of sequence changes on RNA splicing suggest that this variant is not likely to affect RNA splicing. In summary, the available evidence is currently insufficient to determine the role of this variant in disease. Therefore, it has been classified as a Variant of Uncertain Significance.

Literature cited by the submitters: PubMed 17576681; PubMed 9536098.